The following is an entry in ClinVar:

ClinVar aggregate classification (germline): Conflicting classifications of pathogenicity. Review status: criteria provided, conflicting classifications (1 of 4 stars). 3 submissions from 3 submitters: Likely pathogenic (1); Uncertain significance (1). 1 of the submissions does not count toward it. Last evaluated 2024-05-10.

Conditions:
Combined oxidative phosphorylation defect type 13. Also called: Combined oxidative phosphorylation deficiency 13. Identifiers: Orphanet 319514, MedGen C4706283, MONDO:0013977, OMIM 614932.

Allele frequency attached by ClinVar (database versions not stated): TOPMed 0.00001.
gnomAD v4.1: 8 of 1,613,378 alleles (0.0005%); highest among the groups gnomAD compares: Admixed American, 0.0033%; no homozygotes.

Submissions (3):

Women's Health and Genetics/Laboratory Corporation of America, LabCorp
Classification: Uncertain significance. Last evaluated: 2024-05-10. Review status: criteria provided, single submitter. Criteria: LabCorp Variant Classification Summary - May 2015. Collection method: clinical testing. Allele origin: germline.
Comment: Variant summary: PNPT1 c.1453A>G (p.Met485Val) results in a conservative amino acid change located in the Exoribonuclease, phosphorolytic domain 1 (IPR001247) of the encoded protein sequence. Four of five in-silico tools predict a damaging effect of the variant on protein function. The variant allele was found at a frequency of 8e-06 in 250782 control chromosomes. c.1453A>G has been reported in the literature in at-least two individuals affected with mitochondrion disease using WES (HosseiniBereshneh_2021, Retterer_2016). These data indicate that the variant may be associated with disease. To our knowledge, no experimental evidence demonstrating an impact on protein function has been reported. The following publications have been ascertained in the context of this evaluation (PMID: 33812062, 26633542). ClinVar contains an entry for this variant (Variation ID: 215009). Based on the evidence outlined above, the variant was classified as VUS-possibly pathogenic.

GeneDx
Classification: Likely pathogenic. Last evaluated: 2019-06-12. Review status: criteria provided, single submitter. Criteria: GeneDx Variant Classification Process June 2021. Collection method: clinical testing. Allele origin: germline. Affected: yes.
Comment: Not observed at a significant frequency and not observed in the homozygous state in large population cohorts (Lek et al., 2016); In silico analysis, which includes protein predictors and evolutionary conservation, supports a deleterious effect; This variant is associated with the following publications: (PMID: 26633542)

OMIM
Classification: Pathogenic for COMBINED OXIDATIVE PHOSPHORYLATION DEFICIENCY 13. Last evaluated: 2022-08-11. Review status: no assertion criteria provided. Collection method: literature only. Allele origin: germline. Not counted in ClinVar's aggregate classification.

Literature cited by the submitters: PubMed 26633542 (cited by Women's Health and Genetics/Laboratory Corporation of America, LabCorp); PubMed 33812062 (cited by Women's Health and Genetics/Laboratory Corporation of America, LabCorp and OMIM).

NM_033109.5(PNPT1):c.1453A>G (p.Met485Val)

Gene: PNPT1 (polyribonucleotide nucleotidyltransferase 1; minus strand). Cytogenetic location: 2p16.1.
Variant type: single nucleotide variant.
Coding change: c.1453A>G on transcript NM_033109.5 (MANE Select); coding-DNA position 1453, A replaced by G.
Protein change: p.Met485Val; replaces methionine 485 with valine.
Molecular consequence: missense variant.
Genome position (GRCh38, 1-based): chr2:55,654,942, T>C on the plus strand (A>G on the coding strand, the complement: PNPT1 is on the minus strand). VCF-style: chr2-55654942-T-C. GRCh37 (hg19) VCF-style: chr2-55882077-T-C.
Other names: short protein forms M485V.
Identifiers: ClinVar variation 215009 (VCV000215009.5), dbSNP rs767310806, ClinGen allele CA320114.